The following is an entry in ClinVar:

ClinVar aggregate classification (germline): Benign (1 of 4 stars; one submission).

Conditions:
Telangiectasia, hereditary hemorrhagic, type 2 (HHT2). Also called: ACVRL1-Related Hereditary Hemorrhagic Telangiectasia; Telangiectasia, hereditary hemorrhagic, type II. Identifiers: Orphanet 774, MedGen C1838163, MONDO:0010880, OMIM 600376. Disease mechanism: loss of function.

Allele frequency attached by ClinVar (database versions not stated): gnomAD 0.01447 and 0.01548; 1000 Genomes Project 0.01498; TOPMed 0.01508; 1000 Genomes Project 30x 0.01530.

Submission:

Illumina Laboratory Services, Illumina
Classification: Benign for Telangiectasia, hereditary hemorrhagic, type 2. Last evaluated: 2018-01-13. Review status: criteria provided, single submitter. Criteria: ICSL Variant Classification Criteria 13 December 2019. Collection method: clinical testing. Allele origin: germline.
Comment: This variant was observed in the ICSL laboratory as part of a predisposition screen in an ostensibly healthy population. It had not been previously curated by ICSL or reported in the Human Gene Mutation Database (HGMD: prior to June 1st, 2018), and was therefore a candidate for classification through an automated scoring system. Utilizing variant allele frequency, disease prevalence and penetrance estimates, and inheritance mode, an automated score was calculated to assess if this variant is too frequent to cause the disease. Based on the score and internal cut-off values, a variant classified as benign is not then subjected to further curation. The score for this variant resulted in a classification of benign for this disease.

NM_000020.3(ACVRL1):c.*1776C>T

Gene: ACVRL1 (activin A receptor like type 1; plus strand). Cytogenetic location: 12q13.13.
Variant type: single nucleotide variant.
Coding change: c.*1776C>T on transcript NM_000020.3 (MANE Select); 1776 bases downstream of the stop codon, C replaced by T.
Molecular consequence: 3 prime UTR variant.
Genome position (GRCh38, 1-based): chr12:51,922,669, C>T. VCF-style: chr12-51922669-C-T. GRCh37 (hg19) VCF-style: chr12-52316453-C-T.
Other names: c.*1776C>T (NM_001077401.2).
Identifiers: ClinVar variation 309474 (VCV000309474.5), dbSNP rs78150616, ClinGen allele CA10641830.